The following is an entry in ClinVar:

NM_002637.4(PHKA1):c.3550A>G (p.Ile1184Val)

Gene: PHKA1 (phosphorylase kinase regulatory subunit alpha 1; minus strand). Cytogenetic location: Xq13.1.
Variant type: single nucleotide variant.
Coding change: c.3550A>G on transcript NM_002637.4 (MANE Select); coding-DNA position 3550, A replaced by G.
Protein change: p.Ile1184Val; replaces isoleucine 1184 with valine.
Molecular consequence: missense variant.
Genome position (GRCh38, 1-based): chrX:72,581,124, T>C on the plus strand (A>G on the coding strand, the complement: PHKA1 is on the minus strand). VCF-style: chrX-72581124-T-C. GRCh37 (hg19) VCF-style: chrX-71800974-T-C.
Other names: c.3511A>G, p.Ile1171Val (NM_001122670.2); c.3334A>G, p.Ile1112Val (NM_001172436.2); c.3550A>G (NM_002637.3); short protein forms I1112V, I1171V, I1184V.
Identifiers: ClinVar variation 1057355 (VCV001057355.10), dbSNP rs1162142066, ClinGen allele CA413580492.

ClinVar aggregate classification (germline): Uncertain significance. Review status: criteria provided, multiple submitters, no conflicts (2 of 4 stars). 2 submissions from 2 submitters: Uncertain significance (2). Last evaluated 2025-04-27.

Conditions:
Inborn genetic diseases. Identifiers: MedGen C0950123, MeSH D030342.
Glycogen storage disease IXd (GSD9D). Also called: GSD IXd; Muscle Phosphorylase Kinase Deficiency. Identifiers: Orphanet 715, MedGen C1845151, MONDO:0010362, OMIM 300559.

Allele frequency attached by ClinVar (database versions not stated): gnomAD exomes 0.00001 and 0.00004; TOPMed 0.00001.

Submissions (2):

Labcorp Genetics (formerly Invitae), Labcorp
Classification: Uncertain significance for Glycogen storage disease IXd. Last evaluated: 2025-04-27. Review status: criteria provided, single submitter. Criteria: Invitae Variant Classification Sherloc (09022015). Collection method: clinical testing. Allele origin: germline.
Comment: This sequence change replaces isoleucine, which is neutral and non-polar, with valine, which is neutral and non-polar, at codon 1184 of the PHKA1 protein (p.Ile1184Val). This variant is present in population databases (no rsID available, gnomAD no frequency). This variant has not been reported in the literature in individuals affected with PHKA1-related conditions. ClinVar contains an entry for this variant (Variation ID: 1057355). An algorithm developed to predict the effect of missense changes on protein structure and function (PolyPhen-2) suggests that this variant is likely to be tolerated. In summary, the available evidence is currently insufficient to determine the role of this variant in disease. Therefore, it has been classified as a Variant of Uncertain Significance.

Ambry Genetics
Classification: Uncertain significance for Inborn genetic diseases. Last evaluated: 2024-12-23. Review status: criteria provided, single submitter. Criteria: Ambry Variant Classification Scheme 2023. Collection method: clinical testing. Allele origin: germline.